The following is an entry in ClinVar:

ClinVar aggregate classification (germline): Conflicting classifications of pathogenicity. Review status: criteria provided, conflicting classifications (1 of 4 stars). 9 submissions from 8 submitters: Uncertain significance (2); Benign (1); Likely benign (6). Last evaluated 2026-02-01.

Conditions:
ALS2-related disorder. Also called: ALS2-related condition; ALS2-Related Spectrum Disorders; ALS2-related disorders. Identifiers: MedGen CN169291.
Hereditary spastic paraplegia. Also called: Familial spastic paraparesis. Identifiers: Orphanet 685, MedGen C0037773, MONDO:0019064. Disease mechanism: loss of function.
Juvenile primary lateral sclerosis (PLSJ). Also called: Juvenile Primary Lateral Sclerosis (JPLS). Identifiers: Orphanet 247604, MedGen C1853396, MONDO:0011663, OMIM 606353.
Infantile-onset ascending hereditary spastic paralysis (IAHSP). Also called: Infantile-Onset Ascending Hereditary Spastic Paralysis (IAHSP); Autosomal Recessive Juvenile Amyotrophic Lateral Sclerosis. Identifiers: Orphanet 293168, MedGen C2931441, MONDO:0011797, OMIM 607225. Disease mechanism: loss of function.
Amyotrophic lateral sclerosis type 2, juvenile. Also called: Amyotrophic lateral sclerosis type 2; ALS, JUVENILE. Identifiers: Orphanet 300605, MedGen C1859807, MONDO:0008780, OMIM 205100.

Allele frequency attached by ClinVar (database versions not stated): 1000 Genomes Project 30x 0.00078; 1000 Genomes Project 0.00080; gnomAD 0.00095 and 0.00100; TOPMed 0.00098; gnomAD exomes 0.00108; ExAC 0.00111; ESP Exome Variant Server 0.00151.
gnomAD v4.1: 2,272 of 1,603,366 alleles (0.14%); highest among the groups gnomAD compares: Middle Eastern, 0.58%; 4 homozygotes.

Submissions (9):

Labcorp Genetics (formerly Invitae), Labcorp
Classification: Likely benign for Infantile-onset ascending hereditary spastic paralysis. Last evaluated: 2026-02-01. Review status: criteria provided, single submitter. Criteria: Invitae Variant Classification Sherloc (09022015). Collection method: clinical testing. Allele origin: germline.

CeGaT Center for Human Genetics Tuebingen
Classification: Likely benign. Last evaluated: 2026-01-01. Review status: criteria provided, single submitter. Criteria: CeGaT Center For Human Genetics Tuebingen Variant Classification Criteria Version 2. Collection method: clinical testing. Allele origin: germline. Affected: yes. Observed: 8 variant alleles.
Comment: ALS2: BP4, BS2

Women's Health and Genetics/Laboratory Corporation of America, LabCorp
Classification: Likely benign. Last evaluated: 2023-11-01. Review status: criteria provided, single submitter. Criteria: LabCorp Variant Classification Summary - May 2015. Collection method: clinical testing. Allele origin: germline.
Comment: Variant summary: ALS2 c.1115C>G (p.Pro372Arg) results in a non-conservative amino acid change in the encoded protein sequence that alters the second nucleotide of exon 5 adjacent to the intron 4 splice acceptor site. Three of five in-silico tools predict a damaging effect of the variant on protein function. Consensus agreement among computation tools predict no significant impact on normal splicing. However, these predictions have yet to be confirmed by functional studies. The variant allele was found at a frequency of 0.0011 in 240124 control chromosomes in the gnomAD database, including 1 homozygote, supporting a benign outcome for a disorder predominantly associated with a juvenile/infantile onset. c.1115C>G has been reported in the literature as a VUS with non-informative genotypes (second allele or zygosity not specified) in cohorts of individuals affected with sporadic or familial ALS (e.g. Kenna_2013, Lamp_2018, Scarlino_2018, Bartoletti-Stella_2021, Blue_2022), as well as in healthy controls (e.g. Kenna_2013, Morgan_2017). These report(s) do not provide unequivocal conclusions about association of the variant with ALS2-Related Disorders. To our knowledge, no experimental evidence demonstrating an impact on protein function has been reported. The following publications have been ascertained in the context of this evaluation (PMID: 33770234, 34670123, 23881933, 29525178, 28430856, 32397312). Seven submitters have cited clinical-significance assessments for this variant to ClinVar after 2014, classifying the variant as uncertain significance (n=3) or likely benign (n=4). Based on the evidence outlined above, the variant was classified as likely benign.

Athena Diagnostics
Classification: Benign. Last evaluated: 2022-05-06. Review status: criteria provided, single submitter. Criteria: Athena Diagnostics Criteria. Collection method: clinical testing. Allele origin: unknown.

Genome Diagnostics Laboratory, The Hospital for Sick Children
Classification: Uncertain significance for Hereditary spastic paraplegia. Last evaluated: 2021-05-12. Review status: criteria provided, single submitter. Criteria: ACMG Guidelines, 2015. Collection method: clinical testing. Allele origin: germline. Affected: yes.

GeneDx
Classification: Likely benign. Last evaluated: 2019-12-13. Review status: criteria provided, single submitter. Criteria: GeneDx Variant Classification Process June 2021. Collection method: clinical testing. Allele origin: germline. Affected: yes.
Comment: This variant is associated with the following publications: (PMID: 23881933)

Fulgent Genetics
Classification: Uncertain significance for Amyotrophic lateral sclerosis type 2, juvenile; Juvenile primary lateral sclerosis; Infantile-onset ascending hereditary spastic paralysis. Last evaluated: 2018-10-31. Review status: criteria provided, single submitter. Criteria: ACMG Guidelines, 2015. Collection method: clinical testing. Allele origin: unknown.

Illumina Laboratory Services, Illumina
Classification: Likely benign for ALS2-Related Disorders. Last evaluated: 2017-04-27. Review status: criteria provided, single submitter. Criteria: ICSL Variant Classification Criteria 13 December 2019. Collection method: clinical testing. Allele origin: germline.
Comment: This variant was observed as part of a predisposition screen in an ostensibly healthy population. A literature search was performed for the gene, cDNA change, and amino acid change (where applicable). No publications were found based on this search. Allele frequency data from public databases allowed determination this variant is unlikely to cause disease. Therefore, this variant is classified as likely benign.

Illumina Laboratory Services, Illumina
Classification: Likely benign for Amyotrophic lateral sclerosis type 2. Last evaluated: 2017-04-27. Review status: criteria provided, single submitter. Criteria: ICSL Variant Classification Criteria 13 December 2019. Collection method: clinical testing. Allele origin: germline.
Comment: the same text as in the submission from Illumina Laboratory Services, Illumina above.

Literature cited by the submitters: PubMed 23881933 (cited by Women's Health and Genetics/Laboratory Corporation of America, LabCorp); PubMed 28430856 (cited by Women's Health and Genetics/Laboratory Corporation of America, LabCorp); PubMed 32397312 (cited by Women's Health and Genetics/Laboratory Corporation of America, LabCorp); PubMed 33770234 (cited by Women's Health and Genetics/Laboratory Corporation of America, LabCorp); PubMed 34670123 (cited by Women's Health and Genetics/Laboratory Corporation of America, LabCorp); PubMed 29525178 (cited by Women's Health and Genetics/Laboratory Corporation of America, LabCorp).

NM_020919.4(ALS2):c.1115C>G (p.Pro372Arg)

Gene: ALS2 (alsin Rho guanine nucleotide exchange factor ALS2; minus strand). Cytogenetic location: 2q33.1.
Variant type: single nucleotide variant.
Coding change: c.1115C>G on transcript NM_020919.4 (MANE Select); coding-DNA position 1115, C replaced by G.
Protein change: p.Pro372Arg; replaces proline 372 with arginine.
Molecular consequence: missense variant.
Genome position (GRCh38, 1-based): chr2:201,757,758, G>C on the plus strand (C>G on the coding strand, the complement: ALS2 is on the minus strand). VCF-style: chr2-201757758-G-C. GRCh37 (hg19) VCF-style: chr2-202622481-G-C.
Other names: short protein forms P372R.
Identifiers: ClinVar variation 241307 (VCV000241307.64), dbSNP rs190369242, ClinGen allele CA2058513.